The following is an entry in ClinVar:

NM_014714.4(IFT140):c.902+88A>G

Genes: IFT140 (intraflagellar transport 140; minus strand), LOC105371046 (uncharacterized LOC105371046; plus strand). Cytogenetic location: 16p13.3.
Variant type: single nucleotide variant.
Coding change: c.902+88A>G on transcript NM_014714.4 (MANE Select); 88 bases into the intron after coding-DNA position 902, A replaced by G.
Molecular consequence: intron variant.
Genome position (GRCh38, 1-based): chr16:1,587,845, T>C on the plus strand (A>G on the coding strand, the complement: IFT140 is on the minus strand). VCF-style: chr16-1587845-T-C. GRCh37 (hg19) VCF-style: chr16-1637846-T-C.
Identifiers: ClinVar variation 3345779 (VCV003345779.1).

ClinVar aggregate classification (germline): Likely benign (0 of 4 stars; one submission).

Conditions:
IFT140-related disorder. Also called: IFT140-related condition.

Submission:

PreventionGenetics, part of Exact Sciences
Classification: Likely benign for IFT140-related condition. Last evaluated: 2024-05-03. Review status: no assertion criteria provided. Collection method: clinical testing. Allele origin: germline.
Comment: This variant is classified as likely benign based on ACMG/AMP sequence variant interpretation guidelines (Richards et al. 2015 PMID: 25741868, with internal and published modifications).